The following is an entry in ClinVar:

ClinVar aggregate classification (germline): Benign. Review status: criteria provided, multiple submitters, no conflicts (2 of 4 stars). 2 submissions from 2 submitters: Benign (2). Last evaluated 2018-06-14.

Allele frequency attached by ClinVar (database versions not stated): ExAC 0.46127; gnomAD 0.11762; gnomAD exomes 0.13422.

Submissions (2):

GeneDx
Classification: Benign. Last evaluated: 2018-06-14. Review status: criteria provided, single submitter. Criteria: GeneDx Variant Classification (06012015). Collection method: clinical testing. Allele origin: germline. Affected: yes.
Comment: This variant is considered likely benign or benign based on one or more of the following criteria: it is a conservative change, it occurs at a poorly conserved position in the protein, it is predicted to be benign by multiple in silico algorithms, and/or has population frequency not consistent with disease.

Breakthrough Genomics
Classification: Benign. Review status: criteria provided, single submitter. Criteria: ACMG Guidelines, 2015. Collection method: not provided. Allele origin: germline. Inheritance: Autosomal recessive inheritance. Affected: yes.

NM_015971.4(MRPS7):c.83+22G>C

Genes: GGA3 (golgi associated, gamma adaptin ear containing, ARF binding protein 3; minus strand), MRPS7 (mitochondrial ribosomal protein S7; plus strand). Cytogenetic location: 17q25.1.
Variant type: single nucleotide variant.
Coding change: c.83+22G>C on transcript NM_015971.4 (MANE Select); 22 bases into the intron after coding-DNA position 83, G replaced by C.
Molecular consequence: intron variant.
Genome position (GRCh38, 1-based): chr17:75,262,005, G>C. VCF-style: chr17-75262005-G-C. GRCh37 (hg19) VCF-style: chr17-73258086-G-C.
Other names: c.-228+277C>G (NM_001172704.3); c.-177+277C>G (NM_001172703.3).
Identifiers: ClinVar variation 676153 (VCV000676153.4), dbSNP rs201957984, ClinGen allele CA8760200.